The following is an entry in ClinVar:

NM_002772.3(TMPRSS15):c.2677C>G (p.Gln893Glu)

Gene: TMPRSS15 (transmembrane serine protease 15; minus strand). Cytogenetic location: 21q21.1.
Variant type: single nucleotide variant.
Coding change: c.2677C>G on transcript NM_002772.3 (MANE Select); coding-DNA position 2677, C replaced by G.
Protein change: p.Gln893Glu; replaces glutamine 893 with glutamic acid.
Molecular consequence: missense variant.
Genome position (GRCh38, 1-based): chr21:18,279,051, G>C on the plus strand (C>G on the coding strand, the complement: TMPRSS15 is on the minus strand). VCF-style: chr21-18279051-G-C. GRCh37 (hg19) VCF-style: chr21-19651368-G-C.
Other names: c.2677C>G (NM_002772.2); short protein forms Q893E.
Identifiers: ClinVar variation 2145148 (VCV002145148.4), dbSNP rs777567484, ClinGen allele CA9983955.

ClinVar aggregate classification (germline): Uncertain significance. Review status: criteria provided, multiple submitters, no conflicts (2 of 4 stars). 2 submissions from 2 submitters: Uncertain significance (2). Last evaluated 2025-08-31.

Allele frequency attached by ClinVar (database versions not stated): gnomAD exomes 0.00008; ExAC 0.00009.
gnomAD v4.1: 110 of 1,556,780 alleles (0.0071%); highest among the groups gnomAD compares: Middle Eastern, 0.017%; no homozygotes.

Submissions (2):

Ambry Genetics
Classification: Uncertain significance. Last evaluated: 2025-08-31. Review status: criteria provided, single submitter. Criteria: Ambry Variant Classification Scheme 2023. Collection method: clinical testing. Allele origin: germline.

Labcorp Genetics (formerly Invitae), Labcorp
Classification: Uncertain significance. Last evaluated: 2025-03-31. Review status: criteria provided, single submitter. Criteria: Invitae Variant Classification Sherloc (09022015). Collection method: clinical testing. Allele origin: germline.
Comment: This sequence change replaces glutamine, which is neutral and polar, with glutamic acid, which is acidic and polar, at codon 893 of the TMPRSS15 protein (p.Gln893Glu). This variant is present in population databases (rs777567484, gnomAD 0.01%). This variant has not been reported in the literature in individuals affected with TMPRSS15-related conditions. ClinVar contains an entry for this variant (Variation ID: 2145148). An algorithm developed to predict the effect of missense changes on protein structure and function (PolyPhen-2) suggests that this variant is likely to be disruptive. In summary, the available evidence is currently insufficient to determine the role of this variant in disease. Therefore, it has been classified as a Variant of Uncertain Significance.